The following is an entry in ClinVar:

ClinVar aggregate classification (germline): Likely benign. Review status: criteria provided, single submitter (1 of 4 stars). 2 submissions from 2 submitters: Likely benign (1). 1 of the submissions does not count toward it. Last evaluated 2025-03-25.

Conditions:
PEX5-related disorder. Also called: PEX5-related condition; PEX5-Related Disorders.
Peroxisome biogenesis disorder 2B (PBD2B). Identifiers: Orphanet 44, MedGen C3550234, MONDO:0008736, OMIM 202370.

Allele frequency attached by ClinVar (database versions not stated): gnomAD exomes 0.00001 and 0.00002; TOPMed 0.00002; gnomAD 0.00003.
gnomAD v4.1: 19 of 1,613,474 alleles (0.0012%); highest among the groups gnomAD compares: East Asian, 0.0089%; no homozygotes.

Submissions (2):

Labcorp Genetics (formerly Invitae), Labcorp
Classification: Likely benign for Peroxisome biogenesis disorder 2B. Last evaluated: 2025-03-25. Review status: criteria provided, single submitter. Criteria: Invitae Variant Classification Sherloc (09022015). Collection method: clinical testing. Allele origin: germline.

PreventionGenetics, part of Exact Sciences
Classification: Likely benign for PEX5-related condition. Last evaluated: 2022-03-23. Review status: no assertion criteria provided. Collection method: clinical testing. Allele origin: germline. Not counted in ClinVar's aggregate classification.
Comment: This variant is classified as likely benign based on ACMG/AMP sequence variant interpretation guidelines (Richards et al. 2015 PMID: 25741868, with internal and published modifications).

NM_001351132.2(PEX5):c.156G>A (p.Lys52=)

Gene: PEX5 (peroxisomal biogenesis factor 5; plus strand). Cytogenetic location: 12p13.31.
Variant type: single nucleotide variant.
Coding change: c.156G>A on transcript NM_001351132.2 (MANE Select); coding-DNA position 156, G replaced by A.
Protein change: p.Lys52=; no amino-acid change (lysine 52 retained).
Molecular consequence: synonymous variant.
Genome position (GRCh38, 1-based): chr12:7,190,896, G>A. VCF-style: chr12-7190896-G-A. GRCh37 (hg19) VCF-style: chr12-7343492-G-A.
Other names: c.156G>A (NM_001131025.1); c.156G>A, p.Lys52= (NM_000319.5, NM_001131024.2, NM_001131025.2 and 19 more transcripts); c.201G>A, p.Lys67= (NM_001131023.2, NM_001351135.3, NM_001351138.2).
Identifiers: ClinVar variation 1619168 (VCV001619168.10), dbSNP rs1374555547, ClinGen allele CA478185438.
Genomic context (GRCh38, chr12:7,190,896, plus strand): 5'-CCCTGATTTTAGAGGAACTGCGTCATTGTACATCTCTGTCTTTCTCTCTTAGGCCTCCAA[G>A]CCTTTGGGAGTAGCTTCTGAAGATGAGGTAAATAGACCAGTCTCTTTTCTGTCCCATTTT-3'
Protein context (NP_001338061.1, residues 42-62): PGAPASEAAS[Lys52=]PLGVASEDEL